The following is an entry in ClinVar:

NM_001009944.3(PKD1):c.957G>A (p.Pro319=)

Gene: PKD1 (polycystin 1, transient receptor potential channel interacting; minus strand). Cytogenetic location: 16p13.3.
Variant type: single nucleotide variant.
Coding change: c.957G>A on transcript NM_001009944.3 (MANE Select); coding-DNA position 957, G replaced by A.
Protein change: p.Pro319=; no amino-acid change (proline 319 retained).
Molecular consequence: synonymous variant.
Genome position (GRCh38, 1-based): chr16:2,118,035, C>T on the plus strand (G>A on the coding strand, the complement: PKD1 is on the minus strand). VCF-style: chr16-2118035-C-T. GRCh37 (hg19) VCF-style: chr16-2168036-C-T.
Other names: c.957G>A (NM_001009944.2); c.957G>A, p.Pro319= (NM_000296.4).
Identifiers: ClinVar variation 997299 (VCV000997299.3), dbSNP rs62038821, ClinGen allele CA7833619.

ClinVar aggregate classification (germline): Likely benign. Review status: no assertion criteria provided (0 of 4 stars). 2 submissions from 2 submitters: Likely benign (2). Last evaluated 2020-12-15.

Conditions:
Polycystic kidney disease. Also called: Polycystic kidney dysplasia; Kidney, Polycystic. Identifiers: MedGen C0022680, MeSH D007690, MONDO:0020642, HP:0000113.
PKD1-related disorder. Also called: PKD1-related condition.

Allele frequency attached by ClinVar (database versions not stated): TOPMed 0.00002; gnomAD exomes 0.00003 and 0.00005; gnomAD 0.00004 and 0.00005; ExAC 0.00019.
gnomAD v4.1: 51 of 1,601,120 alleles (0.0032%); highest among the groups gnomAD compares: South Asian, 0.041%; no homozygotes.

Submissions (2):

PreventionGenetics, part of Exact Sciences
Classification: Likely benign for PKD1-related condition. Last evaluated: 2020-12-15. Review status: no assertion criteria provided. Collection method: clinical testing. Allele origin: germline.
Comment: This variant is classified as likely benign based on ACMG/AMP sequence variant interpretation guidelines (Richards et al. 2015 PMID: 25741868, with internal and published modifications).

Department of Pathology and Laboratory Medicine, Sinai Health System
Classification: Likely benign for Polycystic Kidney disease. Review status: no assertion criteria provided. Collection method: clinical testing. Allele origin: unknown. Affected: yes. Study: The Canadian Open Genetics Repository (COGR).
Comment: The PKD1 p.Pro319= variant was not identified in the literature nor was it identified in the ClinVar, LOVD 3.0, ADPKD Mutation Database, or PKD1-LOVD databases. The variant was identified in dbSNP (ID: rs62038821). The variant was identified in control databases in 1 of 30790 chromosomes at a frequency of 0.00003 (Genome Aggregation Database Feb 27, 2017). The variant was observed in the African in 1 of 8690 chromosomes (freq: 0.00005), Latino in 1 of 34206 chromosomes (freq: 0.00003), and East Asian in 1 of 18536 chromosomes (freq: 0.0001), but was not observed in the Other, European, Ashkenazi Jewish, Finnish, or South Asian populations. The p.Pro319= variant is not expected to have clinical significance because it does not result in a change of amino acid and is not located in a known consensus splice site. In addition, in silico or computational prediction software programs (SpliceSiteFinder, MaxEntScan, NNSPLICE, GeneSplicer) do not predict a difference in splicing. In summary, based on the above information, the clinical significance of this variant cannot be determined with certainty at this time although we would lean towards a more benign role for this variant. This variant is classified as likely benign.